The following is an entry in ClinVar:

ClinVar aggregate classification (germline): Benign. Review status: criteria provided, multiple submitters, no conflicts (2 of 4 stars). 4 submissions from 4 submitters: Benign (3). 1 of the submissions does not count toward it. Last evaluated 2026-01-18.

Conditions:
ROR1-related disorder. Also called: ROR1-related condition.

Allele frequency attached by ClinVar (database versions not stated): 1000 Genomes Project 0.00359; 1000 Genomes Project 30x 0.00359; ExAC 0.00637; TOPMed 0.00673; gnomAD 0.00732 and 0.00777; ESP Exome Variant Server 0.00738.
gnomAD v4.1: 14,534 of 1,614,038 alleles (0.9%); highest among the groups gnomAD compares: Non-Finnish European, 1%; 95 homozygotes.

Submissions (4):

Labcorp Genetics (formerly Invitae), Labcorp
Classification: Benign. Last evaluated: 2026-01-18. Review status: criteria provided, single submitter. Criteria: Invitae Variant Classification Sherloc (09022015). Collection method: clinical testing. Allele origin: germline.

Athena Diagnostics
Classification: Benign. Last evaluated: 2018-12-31. Review status: criteria provided, single submitter. Criteria: Athena Diagnostics Criteria. Collection method: clinical testing. Allele origin: germline.

Breakthrough Genomics
Classification: Benign. Review status: criteria provided, single submitter. Criteria: ACMG Guidelines, 2015. Collection method: not provided. Allele origin: germline. Inheritance: Autosomal recessive inheritance. Affected: yes.

PreventionGenetics, part of Exact Sciences
Classification: Benign for ROR1-related condition. Last evaluated: 2019-04-22. Review status: no assertion criteria provided. Collection method: clinical testing. Allele origin: germline. Not counted in ClinVar's aggregate classification.
Comment: This variant is classified as benign based on ACMG/AMP sequence variant interpretation guidelines (Richards et al. 2015 PMID: 25741868, with internal and published modifications).

NM_005012.4(ROR1):c.2070C>A (p.Leu690=)

Gene: ROR1 (receptor tyrosine kinase like orphan receptor 1; plus strand). Cytogenetic location: 1p31.3.
Variant type: single nucleotide variant.
Coding change: c.2070C>A on transcript NM_005012.4 (MANE Select); coding-DNA position 2070, C replaced by A.
Protein change: p.Leu690=; no amino-acid change (leucine 690 retained).
Molecular consequence: synonymous variant.
Genome position (GRCh38, 1-based): chr1:64,178,111, C>A. VCF-style: chr1-64178111-C-A. GRCh37 (hg19) VCF-style: chr1-64643794-C-A.
Identifiers: ClinVar variation 805275 (VCV000805275.12), dbSNP rs41302752, ClinGen allele CA890374.